The following is an entry in ClinVar:

NM_133379.5(TTN):c.16241A>G (p.Tyr5414Cys)

Gene: TTN (titin; minus strand). Cytogenetic location: 2q31.2.
Variant type: single nucleotide variant.
Coding change: c.16241A>G on transcript NM_133379.5; coding-DNA position 16241, A replaced by G.
Protein change: p.Tyr5414Cys; replaces tyrosine 5414 with cysteine.
Molecular consequence: missense variant. On other transcripts: intron variant (6).
Genome position (GRCh38, 1-based): chr2:178,746,159, T>C on the plus strand (A>G on the coding strand, the complement: TTN is on the minus strand). VCF-style: chr2-178746159-T-C. GRCh37 (hg19) VCF-style: chr2-179610886-T-C.
Other names: c.10223-4238A>G (NM_003319.4); c.10799-4238A>G (NM_133437.4); c.10598-4238A>G (NM_133432.3); c.10360+6965A>G (NM_133378.4); c.10361-4238A>G (NM_001256850.1); c.11312-4238A>G (NM_001267550.2); short protein forms Y5414C.
Identifiers: ClinVar variation 1190281 (VCV001190281.2), dbSNP rs367693634, ClinGen allele CA2002974.

ClinVar aggregate classification (germline): Likely benign (1 of 4 stars; one submission).

Allele frequency attached by ClinVar (database versions not stated): gnomAD exomes below 0.00001 and 0.00002; ExAC 0.00001; gnomAD 0.00005; TOPMed 0.00005; ESP Exome Variant Server 0.00008; 1000 Genomes Project 30x 0.00016.
gnomAD v4.1: 14 of 1,613,380 alleles (0.00087%); highest among the groups gnomAD compares: African/African-American, 0.015%; no homozygotes.

Submission:

GeneDx
Classification: Likely benign. Last evaluated: 2019-10-28. Review status: criteria provided, single submitter. Criteria: GeneDx Variant Classification Process June 2021. Collection method: clinical testing. Allele origin: germline. Affected: yes.
Comment: Has not been previously published as pathogenic or benign to our knowledge